The following is an entry in ClinVar:

NM_001370298.3(FGD4):c.1067G>C (p.Arg356Thr)

Gene: FGD4 (FYVE, RhoGEF and PH domain containing 4; plus strand). Cytogenetic location: 12p11.21.
Variant type: single nucleotide variant.
Coding change: c.1067G>C on transcript NM_001370298.3 (MANE Select); coding-DNA position 1067, G replaced by C.
Protein change: p.Arg356Thr; replaces arginine 356 with threonine.
Molecular consequence: missense variant. On other transcripts: 5 prime UTR variant (2).
Genome position (GRCh38, 1-based): chr12:32,598,552, G>C. VCF-style: chr12-32598552-G-C. GRCh37 (hg19) VCF-style: chr12-32751486-G-C.
Other names: c.911G>C, p.Arg304Thr (NM_001304481.2); c.-189G>C (NM_001304483.2); c.-496G>C (NM_001304484.2); c.377G>C, p.Arg126Thr (NM_001330373.2, NM_001330374.2, NM_001384130.1); c.104G>C, p.Arg35Thr (NM_001370297.1); c.1067G>C, p.Arg356Thr (NM_001384126.1); c.656G>C, p.Arg219Thr (NM_001384127.1, NM_001384128.1, NM_001385118.1 and 1 more transcripts); short protein forms R126T, R219T, R304T, R356T, R35T.
Identifiers: ClinVar variation 1015705 (VCV001015705.8), dbSNP rs1211624997, ClinGen allele CA384357148.
Genomic context (GRCh38, chr12:32,598,552, plus strand): 5'-TTTAGGAGACTAATGAGCAAAAACTTCACAAAATAGCCAATGAACTTTTGCTTACTGAAA[G>C]AGCTTATGTCAACCGACTTGACCTCTTAGATCAGGTAAGATTTTCTTTCTCAGAATTATT-3'
Protein context (NP_001357227.2, residues 346-366): KIANELLLTE[Arg356Thr]AYVNRLDLLD

ClinVar aggregate classification (germline): Uncertain significance (1 of 4 stars; one submission).

Conditions:
Charcot-Marie-Tooth disease type 4. Also called: Charcot-Marie-Tooth disease, type IV; Charcot-Marie-Tooth, Type 4. Identifiers: Orphanet 64749, MedGen C4082197, MONDO:0018995.

Submission:

Labcorp Genetics (formerly Invitae), Labcorp
Classification: Uncertain significance for Charcot-Marie-Tooth disease type 4. Last evaluated: 2020-07-19. Review status: criteria provided, single submitter. Criteria: Invitae Variant Classification Sherloc (09022015). Collection method: clinical testing. Allele origin: germline.
Comment: This sequence change replaces arginine with threonine at codon 219 of the FGD4 protein (p.Arg219Thr). The arginine residue is highly conserved and there is a moderate physicochemical difference between arginine and threonine. In summary, the available evidence is currently insufficient to determine the role of this variant in disease. Therefore, it has been classified as a Variant of Uncertain Significance. Algorithms developed to predict the effect of missense changes on protein structure and function (SIFT, PolyPhen-2, Align-GVGD) all suggest that this variant is likely to be disruptive, but these predictions have not been confirmed by published functional studies and their clinical significance is uncertain. This variant has not been reported in the literature in individuals with FGD4-related conditions. This variant is not present in population databases (ExAC no frequency).